The following is an entry in ClinVar:

NM_015267.4(CUX2):c.205A>C (p.Lys69Gln)

Gene: CUX2 (cut like homeobox 2; plus strand). Cytogenetic location: 12q24.11.
Variant type: single nucleotide variant.
Coding change: c.205A>C on transcript NM_015267.4 (MANE Select); coding-DNA position 205, A replaced by C.
Protein change: p.Lys69Gln; replaces lysine 69 with glutamine.
Molecular consequence: missense variant.
Genome position (GRCh38, 1-based): chr12:111,217,920, A>C. VCF-style: chr12-111217920-A-C. GRCh37 (hg19) VCF-style: chr12-111655724-A-C.
Other names: c.19A>C, p.Lys7Gln (NM_001370598.1); short protein forms K69Q, K7Q.
Identifiers: ClinVar variation 1314859 (VCV001314859.3), dbSNP rs2136229159, ClinGen allele CA386919729.
Genomic context (GRCh38, chr12:111,217,920, plus strand): 5'-TAGTGAACTCTTTGCTGATCTCTTTTTCAGGAAATCAGAGAGATGGTGGCTCCTGTATTA[A>C]AAAGCTTCCAAGCCGAGGTAAGACCCAGGGCCCACAGCATGTCAGAAAAGTGCCCCCAAT-3'
Protein context (NP_056082.2, residues 59-79): EIREMVAPVL[Lys69Gln]SFQAEVVALS

ClinVar aggregate classification (germline): Uncertain significance (1 of 4 stars; one submission).

Submission:

GeneDx
Classification: Uncertain significance. Last evaluated: 2021-11-17. Review status: criteria provided, single submitter. Criteria: GeneDx Variant Classification Process June 2021. Collection method: clinical testing. Allele origin: germline. Affected: yes.
Comment: Not observed in large population cohorts (Lek et al., 2016); In silico analysis supports that this missense variant has a deleterious effect on protein structure/function; Has not been previously published as pathogenic or benign to our knowledge